The following is an entry in ClinVar:

NM_139242.4(MTFMT):c.219_222del (p.Glu74fs)

Gene: MTFMT (mitochondrial methionyl-tRNA formyltransferase; minus strand). Cytogenetic location: 15q22.31.
Variant type: Deletion.
Coding change: c.219_222del on transcript NM_139242.4 (MANE Select); coding-DNA positions 219 to 222, 4 bases deleted (AGAA; older notation c.219_222delAGAA).
Protein change: p.Glu74fs; shifts the reading frame from glutamic acid 74.
Molecular consequence: frameshift variant.
Genome position (GRCh38, 1-based): chr15:65,027,028-65,027,031, TTCT deleted on the plus strand (AGAA on the coding strand, the reverse complement: MTFMT is on the minus strand); deleting any 4 consecutive bases within chr15:65,027,028-65,027,033 gives the same sequence; the c. name uses the placement nearest the transcript's 3' end. VCF-style (leftmost placement, unchanged base first): chr15-65027027-CTTCT-C. GRCh37 (hg19) VCF-style: chr15-65319365-CTTCT-C.
Other names: short protein forms E74fs.
Identifiers: ClinVar variation 435899 (VCV000435899.11), dbSNP rs777725264, ClinGen allele CA7613418.

ClinVar aggregate classification (germline): Pathogenic. Review status: criteria provided, multiple submitters, no conflicts (2 of 4 stars). 3 submissions from 3 submitters: Pathogenic (3). Last evaluated 2026-01-15.

Conditions:
Combined oxidative phosphorylation defect type 15. Also called: Combined oxidative phosphorylation deficiency 15. Identifiers: Orphanet 319524, MedGen C4706313, MONDO:0013987, OMIM 614947.

Submissions (3):

GeneDx
Classification: Pathogenic. Last evaluated: 2026-01-15. Review status: criteria provided, single submitter. Criteria: GeneDx Variant Classification Process June 2021. Collection method: clinical testing. Allele origin: germline.
Comment: Frameshift variant predicted to result in protein truncation or nonsense mediated decay in a gene for which loss of function is a known mechanism of disease; Not observed at significant frequency in large population cohorts (gnomAD); This variant is associated with the following publications: (PMID: 25911677, 24461907)

Labcorp Genetics (formerly Invitae), Labcorp
Classification: Pathogenic. Last evaluated: 2023-09-22. Review status: criteria provided, single submitter. Criteria: Invitae Variant Classification Sherloc (09022015). Collection method: clinical testing. Allele origin: germline.
Comment: This variant is present in population databases (rs777725264, gnomAD 0.004%). This sequence change creates a premature translational stop signal (p.Glu74Lysfs*3) in the MTFMT gene. It is expected to result in an absent or disrupted protein product. Loss-of-function variants in MTFMT are known to be pathogenic (PMID: 21907147, 24461907). For these reasons, this variant has been classified as Pathogenic. ClinVar contains an entry for this variant (Variation ID: 435899). This premature translational stop signal has been observed in individual(s) with MTFMT-related conditions (PMID: 24461907, 25911677).

Genetic Services Laboratory, University of Chicago
Classification: Pathogenic for Combined oxidative phosphorylation deficiency 15. Last evaluated: 2016-05-10. Review status: criteria provided, single submitter. Criteria: ACMG Guidelines, 2015. Collection method: clinical testing. Allele origin: germline. Affected: yes.

Literature cited by the submitters: PubMed 21907147 (cited by Labcorp Genetics (formerly Invitae), Labcorp); PubMed 24461907 (cited by Labcorp Genetics (formerly Invitae), Labcorp); PubMed 25911677 (cited by Labcorp Genetics (formerly Invitae), Labcorp).